The following is an entry in ClinVar:

NM_001042492.3(NF1):c.986A>C (p.Lys329Thr)

Gene: NF1 (neurofibromin 1; plus strand). Cytogenetic location: 17q11.2.
Variant type: single nucleotide variant.
Coding change: c.986A>C on transcript NM_001042492.3 (MANE Select); coding-DNA position 986, A replaced by C.
Protein change: p.Lys329Thr; replaces lysine 329 with threonine.
Molecular consequence: missense variant.
Genome position (GRCh38, 1-based): chr17:31,200,519, A>C. VCF-style: chr17-31200519-A-C. GRCh37 (hg19) VCF-style: chr17-29527537-A-C.
Other names: c.986A>C, p.Lys329Thr (NM_000267.4, NM_001128147.3); short protein forms K329T.
Identifiers: ClinVar variation 3690315 (VCV003690315.2).

ClinVar aggregate classification (germline): Uncertain significance (1 of 4 stars; one submission).

Conditions:
Neurofibromatosis, type 1 (NF1). Also called: Peripheral type neurofibromatosis; Neurofibromatosis, type I; VON RECKLINGHAUSEN DISEASE; NEUROFIBROMATOSIS, TYPE I, SOMATIC. Identifiers: Orphanet 636, MedGen C0027831, MONDO:0018975, OMIM 162200. Disease mechanism: loss of function.

Submission:

Labcorp Genetics (formerly Invitae), Labcorp
Classification: Uncertain significance for Neurofibromatosis, type 1. Last evaluated: 2024-09-30. Review status: criteria provided, single submitter. Criteria: Invitae Variant Classification Sherloc (09022015). Collection method: clinical testing. Allele origin: germline.
Comment: This sequence change replaces lysine, which is basic and polar, with threonine, which is neutral and polar, at codon 329 of the NF1 protein (p.Lys329Thr). This variant is not present in population databases (gnomAD no frequency). This variant has not been reported in the literature in individuals affected with NF1-related conditions. Invitae Evidence Modeling of protein sequence and biophysical properties (such as structural, functional, and spatial information, amino acid conservation, physicochemical variation, residue mobility, and thermodynamic stability) indicates that this missense variant is expected to disrupt NF1 protein function with a positive predictive value of 95%. In summary, the available evidence is currently insufficient to determine the role of this variant in disease. Therefore, it has been classified as a Variant of Uncertain Significance.